The following is an entry in ClinVar:

NM_022455.5(NSD1):c.1299del (p.Lys435fs)

Gene: NSD1 (nuclear receptor binding SET domain protein 1; plus strand). Cytogenetic location: 5q35.3.
Variant type: Deletion.
Coding change: c.1299del on transcript NM_022455.5 (MANE Select); coding-DNA position 1299, one base deleted (T; older notation c.1299delT).
Protein change: p.Lys435fs; shifts the reading frame from lysine 435.
Molecular consequence: frameshift variant.
Genome position (GRCh38, 1-based): chr5:177,209,698, T deleted; the last of 2 consecutive T bases (chr5:177,209,697-177,209,698); deleting either gives the same sequence. VCF-style (leftmost placement, unchanged base first): chr5-177209696-GT-G. GRCh37 (hg19) VCF-style: chr5-176636697-GT-G.
Other names: c.426delT, p.Lys144Argfs (NM_001365684.2, NM_001409306.1, NM_001409307.1 and 3 more transcripts); c.1299delT, p.Lys435Argfs (NM_001409301.1, NM_001409302.1, NM_001409303.1); c.879delT, p.Lys295Argfs (NM_001409304.1); c.546delT, p.Lys184Argfs (NM_001409305.1); short protein forms K435fs, K166fs.
Identifiers: ClinVar variation 2082004 (VCV002082004.4), dbSNP rs2480442709, ClinGen allele CA2580074052.

ClinVar aggregate classification (germline): Pathogenic (1 of 4 stars; one submission).

Submission:

Labcorp Genetics (formerly Invitae), Labcorp
Classification: Pathogenic. Last evaluated: 2022-01-18. Review status: criteria provided, single submitter. Criteria: Invitae Variant Classification Sherloc (09022015). Collection method: clinical testing. Allele origin: germline.
Comment: This sequence change creates a premature translational stop signal (p.Lys435Argfs*42) in the NSD1 gene. It is expected to result in an absent or disrupted protein product. Loss-of-function variants in NSD1 are known to be pathogenic (PMID: 12464997, 14571271, 15942875, 16247291). For these reasons, this variant has been classified as Pathogenic. This variant has not been reported in the literature in individuals affected with NSD1-related conditions. This variant is not present in population databases (gnomAD no frequency).

Literature cited by the submitters: PubMed 12464997; PubMed 14571271; PubMed 15942875; PubMed 16247291.